The following is an entry in ClinVar:

ClinVar aggregate classification (germline): Pathogenic (1 of 4 stars; one submission).

Conditions:
X-linked lymphoproliferative disease due to XIAP deficiency. Also called: XIAP-Related Lymphoproliferative Disease, X-Linked; XIAP DEFICIENCY. Identifiers: Orphanet 2442, Orphanet 538934, MedGen C1845076, MONDO:0010385, OMIM 300635.

Submission:

Labcorp Genetics (formerly Invitae), Labcorp
Classification: Pathogenic for X-linked lymphoproliferative disease due to XIAP deficiency. Last evaluated: 2022-12-31. Review status: criteria provided, single submitter. Criteria: Invitae Variant Classification Sherloc (09022015). Collection method: clinical testing. Allele origin: germline.
Comment: For these reasons, this variant has been classified as Pathogenic. ClinVar contains an entry for this variant (Variation ID: 640819). This premature translational stop signal has been observed in individual(s) with clinical features of XIAP-related conditions (Invitae). This variant is not present in population databases (gnomAD no frequency). This sequence change creates a premature translational stop signal (p.Gln319*) in the XIAP gene. It is expected to result in an absent or disrupted protein product. Loss-of-function variants in XIAP are known to be pathogenic (PMID: 17080092, 21119115, 25666262).

Literature cited by the submitters: PubMed 17080092; PubMed 21119115; PubMed 25666262.

NM_001167.4(XIAP):c.955C>T (p.Gln319Ter)

Gene: XIAP (X-linked inhibitor of apoptosis; plus strand). Cytogenetic location: Xq25.
Variant type: single nucleotide variant.
Coding change: c.955C>T on transcript NM_001167.4 (MANE Select); coding-DNA position 955, C replaced by T.
Protein change: p.Gln319Ter; replaces glutamine 319 with a stop codon.
Molecular consequence: nonsense. On other transcripts: non-coding transcript variant (2).
Genome position (GRCh38, 1-based): chrX:123,888,696, C>T. VCF-style: chrX-123888696-C-T. GRCh37 (hg19) VCF-style: chrX-123022546-C-T.
Other names: c.955C>T, p.Gln319Ter (NM_001204401.2, NM_001378590.1, NM_001378591.1 and 1 more transcripts); short protein forms Q319*.
Identifiers: ClinVar variation 640819 (VCV000640819.4), dbSNP rs1602546782, ClinGen allele CA414125336.